The following is an entry in ClinVar:

NM_000562.3(C8A):c.233T>G (p.Ile78Ser)

Gene: C8A (complement C8 alpha chain; plus strand). Cytogenetic location: 1p32.2.
Variant type: single nucleotide variant.
Coding change: c.233T>G on transcript NM_000562.3 (MANE Select); coding-DNA position 233, T replaced by G.
Protein change: p.Ile78Ser; replaces isoleucine 78 with serine.
Molecular consequence: missense variant.
Genome position (GRCh38, 1-based): chr1:56,875,010, T>G. VCF-style: chr1-56875010-T-G. GRCh37 (hg19) VCF-style: chr1-57340683-T-G.
Other names: short protein forms I78S.
Identifiers: ClinVar variation 2122457 (VCV002122457.4), dbSNP rs557450862, ClinGen allele CA874965.
Genomic context (GRCh38, chr1:56,875,010, plus strand): 5'-ACCGACACCGGAGCCTCTTGCAGCCAAACAAGTTTGGGGGAACCATCTGCAGTGGTGACA[T>G]CTGGGATCAAGCCAGCTGCTCCAGTTCTACAACTTGTGTAAGGCAAGCACAGTGTGGACA-3'
Protein context (NP_000553.1, residues 68-88): KFGGTICSGD[Ile78Ser]WDQASCSSST

ClinVar aggregate classification (germline): Uncertain significance (1 of 4 stars; one submission).

gnomAD v4.1: 1 of 1,613,786 alleles (0.000062%); highest among the groups gnomAD compares: Non-Finnish European, 0.000085%; no homozygotes.

Submission:

Labcorp Genetics (formerly Invitae), Labcorp
Classification: Uncertain significance. Last evaluated: 2022-04-18. Review status: criteria provided, single submitter. Criteria: Invitae Variant Classification Sherloc (09022015). Collection method: clinical testing. Allele origin: germline.
Comment: In summary, the available evidence is currently insufficient to determine the role of this variant in disease. Therefore, it has been classified as a Variant of Uncertain Significance. Algorithms developed to predict the effect of missense changes on protein structure and function are either unavailable or do not agree on the potential impact of this missense change (SIFT: "Deleterious"; PolyPhen-2: "Benign"; Align-GVGD: "Class C0"). This variant has not been reported in the literature in individuals affected with C8A-related conditions. This variant is present in population databases (rs557450862, gnomAD 0.0009%). This sequence change replaces isoleucine, which is neutral and non-polar, with serine, which is neutral and polar, at codon 78 of the C8A protein (p.Ile78Ser).